The following is an entry in ClinVar:

NM_006017.3(PROM1):c.524A>C (p.Tyr175Ser)

Gene: PROM1 (prominin 1; minus strand). Cytogenetic location: 4p15.32.
Variant type: single nucleotide variant.
Coding change: c.524A>C on transcript NM_006017.3 (MANE Select); coding-DNA position 524, A replaced by C.
Protein change: p.Tyr175Ser; replaces tyrosine 175 with serine.
Molecular consequence: missense variant.
Genome position (GRCh38, 1-based): chr4:16,025,298, T>G on the plus strand (A>C on the coding strand, the complement: PROM1 is on the minus strand). VCF-style: chr4-16025298-T-G. GRCh37 (hg19) VCF-style: chr4-16026921-T-G.
Other names: c.497A>C, p.Tyr166Ser (NM_001145847.2, NM_001145848.2, NM_001145851.2 and 4 more transcripts); c.524A>C, p.Tyr175Ser (NM_001145849.2, NM_001145850.2); short protein forms Y166S, Y175S.
Identifiers: ClinVar variation 3615761 (VCV003615761.3).

ClinVar aggregate classification (germline): Uncertain significance. Review status: criteria provided, multiple submitters, no conflicts (2 of 4 stars). 2 submissions from 2 submitters: Uncertain significance (2). Last evaluated 2024-09-20.

gnomAD v4.1: 4 of 1,613,898 alleles (0.00025%); highest among the groups gnomAD compares: Middle Eastern, 0.017%; no homozygotes.

Submissions (2):

Blueprint Genetics
Classification: Uncertain significance. Last evaluated: 2024-09-20. Review status: criteria provided, single submitter. Criteria: ACMG Guidelines, 2015. Collection method: clinical testing. Allele origin: germline.

Labcorp Genetics (formerly Invitae), Labcorp
Classification: Uncertain significance. Last evaluated: 2024-04-06. Review status: criteria provided, single submitter. Criteria: Invitae Variant Classification Sherloc (09022015). Collection method: clinical testing. Allele origin: germline.
Comment: This sequence change replaces tyrosine, which is neutral and polar, with serine, which is neutral and polar, at codon 175 of the PROM1 protein (p.Tyr175Ser). This variant is not present in population databases (gnomAD no frequency). This variant has not been reported in the literature in individuals affected with PROM1-related conditions. Advanced modeling of protein sequence and biophysical properties (such as structural, functional, and spatial information, amino acid conservation, physicochemical variation, residue mobility, and thermodynamic stability) performed at Invitae indicates that this missense variant is not expected to disrupt PROM1 protein function with a negative predictive value of 80%. In summary, the available evidence is currently insufficient to determine the role of this variant in disease. Therefore, it has been classified as a Variant of Uncertain Significance.